The following is an entry in ClinVar:

NM_001267550.2(TTN):c.102355T>C (p.Ser34119Pro)

Genes: TTN (titin; minus strand), TTN-AS1 (TTN antisense RNA 1; plus strand). Cytogenetic location: 2q31.2.
Variant type: single nucleotide variant.
Coding change: c.102355T>C on transcript NM_001267550.2 (MANE Select); coding-DNA position 102355, T replaced by C.
Protein change: p.Ser34119Pro; replaces serine 34119 with proline.
Molecular consequence: missense variant.
Genome position (GRCh38, 1-based): chr2:178,534,260, A>G on the plus strand (T>C on the coding strand, the complement: TTN is on the minus strand). VCF-style: chr2-178534260-A-G. GRCh37 (hg19) VCF-style: chr2-179398987-A-G.
Other names: c.97432T>C, p.Ser32478Pro (NM_001256850.1); c.75160T>C, p.Ser25054Pro (NM_003319.4); c.94651T>C, p.Ser31551Pro (NM_133378.4); c.75535T>C, p.Ser25179Pro (NM_133432.3); c.75736T>C, p.Ser25246Pro (NM_133437.4); short protein forms S25054P, S25179P, S25246P, S31551P, S32478P, S34119P.
Identifiers: ClinVar variation 3753329 (VCV003753329.2).
Genomic context (GRCh38, chr2:178,534,260, plus strand): 5'-AAACTGGGCCAATTTCAATGGATGCCACTTTAACTTTAGCAACACTCACTCCCTTCTGAG[A>G]TCGAATTGCACCACCACAGGAGATCCGGGCTGCTGACACAACCATGTTGAGGTCTTTCTT-3'
Protein context (NP_001254479.2, residues 34109-34129): ARISCGGAIR[Ser34119Pro]QKGVSVAKVK

ClinVar aggregate classification (germline): Uncertain significance (1 of 4 stars; one submission).

Conditions:
Autosomal recessive limb-girdle muscular dystrophy type 2J (LGMDR10). Also called: Limb-girdle muscular dystrophy, type 2J; MUSCULAR DYSTROPHY, LIMB-GIRDLE, AUTOSOMAL RECESSIVE 10. Identifiers: Orphanet 140922, MedGen C1837342, MONDO:0012127, OMIM 608807.
Dilated cardiomyopathy 1G (CMD1G). Identifiers: Orphanet 154, MedGen C1858763, MONDO:0011400, OMIM 604145.

gnomAD v4.1: 1 of 1,613,960 alleles (0.000062%); highest among the groups gnomAD compares: African/African-American, 0.0013%; no homozygotes.

Submission:

Labcorp Genetics (formerly Invitae), Labcorp
Classification: Uncertain significance for Dilated cardiomyopathy 1G; Autosomal recessive limb-girdle muscular dystrophy type 2J. Last evaluated: 2024-06-04. Review status: criteria provided, single submitter. Criteria: Invitae Variant Classification Sherloc (09022015). Collection method: clinical testing. Allele origin: germline.
Comment: This sequence change replaces serine, which is neutral and polar, with proline, which is neutral and non-polar, at codon 34119 of the TTN protein (p.Ser34119Pro). This variant is not present in population databases (gnomAD no frequency). This variant has not been reported in the literature in individuals affected with TTN-related conditions. Experimental studies and prediction algorithms are not available or were not evaluated, and the functional significance of this variant is currently unknown. This variant is located in the M band of TTN (PMID: 25589632). Non-truncating variants in this region may be relevant for neuromuscular disorders, but have not been definitively shown to cause cardiomyopathy (PMID: 23975875). In summary, the available evidence is currently insufficient to determine the role of this variant in disease. Therefore, it has been classified as a Variant of Uncertain Significance.

Literature cited by the submitters: PubMed 25589632; PubMed 23975875.